The following is an entry in ClinVar:

NM_001098484.3(SLC4A4):c.*1220G>A

Gene: SLC4A4 (solute carrier family 4 member 4; plus strand). Cytogenetic location: 4q13.3.
Variant type: single nucleotide variant.
Coding change: c.*1220G>A on transcript NM_001098484.3 (MANE Select); 1220 bases downstream of the stop codon, G replaced by A.
Molecular consequence: 3 prime UTR variant.
Genome position (GRCh38, 1-based): chr4:71,568,971, G>A. VCF-style: chr4-71568971-G-A. GRCh37 (hg19) VCF-style: chr4-72434688-G-A.
Other names: c.*1078G>A (NM_001134742.2); c.*1220G>A (NM_003759.4).
Identifiers: ClinVar variation 349578 (VCV000349578.5), dbSNP rs72854471, ClinGen allele CA10619156.

ClinVar aggregate classification (germline): Benign (1 of 4 stars; one submission).

Conditions:
Autosomal recessive proximal renal tubular acidosis (PRTAO). Also called: RTA, PROXIMAL, AUTOSOMAL RECESSIVE; RENAL TUBULAR ACIDOSIS, PROXIMAL, WITH OCULAR ABNORMALITIES AND MENTAL RETARDATION; RENAL TUBULAR ACIDOSIS, PROXIMAL, WITH OCULAR ABNORMALITIES AND IMPAIRED INTELLECTUAL DEVELOPMENT; PROXIMAL RENAL TUBULAR ACIDOSIS-OCULAR ANOMALY SYNDROME. Identifiers: Orphanet 93607, MedGen C1970309, MONDO:0011422, OMIM 604278.

Allele frequency attached by ClinVar (database versions not stated): gnomAD 0.00594 and 0.00627; 1000 Genomes Project 30x 0.00656; TOPMed 0.00676; 1000 Genomes Project 0.00679.

Submission:

Illumina Laboratory Services, Illumina
Classification: Benign for Autosomal recessive proximal renal tubular acidosis. Last evaluated: 2018-01-13. Review status: criteria provided, single submitter. Criteria: ICSL Variant Classification Criteria 13 December 2019. Collection method: clinical testing. Allele origin: germline.
Comment: This variant was observed in the ICSL laboratory as part of a predisposition screen in an ostensibly healthy population. It had not been previously curated by ICSL or reported in the Human Gene Mutation Database (HGMD: prior to June 1st, 2018), and was therefore a candidate for classification through an automated scoring system. Utilizing variant allele frequency, disease prevalence and penetrance estimates, and inheritance mode, an automated score was calculated to assess if this variant is too frequent to cause the disease. Based on the score and internal cut-off values, a variant classified as benign is not then subjected to further curation. The score for this variant resulted in a classification of benign for this disease.